The following is an entry in ClinVar:

NM_001110556.2(FLNA):c.3207+9G>T

Gene: FLNA (filamin A; minus strand). Cytogenetic location: Xq28.
Variant type: single nucleotide variant.
Coding change: c.3207+9G>T on transcript NM_001110556.2 (MANE Select); 9 bases into the intron after coding-DNA position 3207, G replaced by T.
Molecular consequence: intron variant.
Genome position (GRCh38, 1-based): chrX:154,361,299, C>A on the plus strand (G>T on the coding strand, the complement: FLNA is on the minus strand). VCF-style: chrX-154361299-C-A. GRCh37 (hg19) VCF-style: chrX-153589667-C-A.
Other names: c.3207+9G>T (NM_001456.4).
Identifiers: ClinVar variation 513703 (VCV000513703.1), dbSNP rs1557177993, ClinGen allele CA658799924.

ClinVar aggregate classification (germline): Likely benign (1 of 4 stars; one submission).

Submission:

GeneDx
Classification: Likely benign. Last evaluated: 2017-12-04. Review status: criteria provided, single submitter. Criteria: GeneDx Variant Classification (06012015). Collection method: clinical testing. Allele origin: germline. Affected: yes.
Comment: This variant is considered likely benign or benign based on one or more of the following criteria: it is a conservative change, it occurs at a poorly conserved position in the protein, it is predicted to be benign by multiple in silico algorithms, and/or has population frequency not consistent with disease.